The following is an entry in ClinVar:

ClinVar aggregate classification (germline): Uncertain significance (1 of 4 stars; one submission).

Submission:

GeneDx
Classification: Uncertain significance. Last evaluated: 2026-02-12. Review status: criteria provided, single submitter. Criteria: GeneDx Variant Classification Process June 2021. Collection method: clinical testing. Allele origin: germline.
Comment: Not observed at significant frequency in large population cohorts (gnomAD); In silico analysis supports that this missense variant has a deleterious effect on protein structure/function; Has not been previously published as pathogenic or benign to our knowledge

NM_001039141.3(TRIOBP):c.3245T>C (p.Phe1082Ser)

Gene: TRIOBP (TRIO and F-actin binding protein; plus strand). Cytogenetic location: 22q13.1.
Variant type: single nucleotide variant.
Coding change: c.3245T>C on transcript NM_001039141.3 (MANE Select); coding-DNA position 3245, T replaced by C.
Protein change: p.Phe1082Ser; replaces phenylalanine 1082 with serine.
Molecular consequence: missense variant.
Genome position (GRCh38, 1-based): chr22:37,725,801, T>C. VCF-style: chr22-37725801-T-C. GRCh37 (hg19) VCF-style: chr22-38121808-T-C.
Other names: short protein forms F1082S.
Identifiers: ClinVar variation 4976052 (VCV004976052.1).